The following is an entry in ClinVar:

ClinVar aggregate classification (germline): Uncertain significance. Review status: criteria provided, multiple submitters, no conflicts (2 of 4 stars). 2 submissions from 2 submitters: Uncertain significance (2). Last evaluated 2025-02-26.

Allele frequency attached by ClinVar (database versions not stated): ExAC 0.00001; gnomAD 0.00001; gnomAD exomes 0.00002; TOPMed 0.00002; ESP Exome Variant Server 0.00008.
gnomAD v4.1: 32 of 1,613,510 alleles (0.002%); highest among the groups gnomAD compares: Non-Finnish European, 0.0026%; no homozygotes.

Submissions (2):

Ambry Genetics
Classification: Uncertain significance. Last evaluated: 2025-02-26. Review status: criteria provided, single submitter. Criteria: Ambry Variant Classification Scheme 2023. Collection method: clinical testing. Allele origin: germline.

Labcorp Genetics (formerly Invitae), Labcorp
Classification: Uncertain significance. Last evaluated: 2023-12-04. Review status: criteria provided, single submitter. Criteria: Invitae Variant Classification Sherloc (09022015). Collection method: clinical testing. Allele origin: germline.
Comment: This sequence change replaces alanine, which is neutral and non-polar, with threonine, which is neutral and polar, at codon 372 of the CEP89 protein (p.Ala372Thr). This variant is present in population databases (rs141968456, gnomAD 0.003%). This variant has not been reported in the literature in individuals affected with CEP89-related conditions. An algorithm developed to predict the effect of missense changes on protein structure and function (PolyPhen-2) suggests that this variant is likely to be disruptive. In summary, the available evidence is currently insufficient to determine the role of this variant in disease. Therefore, it has been classified as a Variant of Uncertain Significance.

NM_032816.5(CEP89):c.1114G>A (p.Ala372Thr)

Gene: CEP89 (centrosomal protein 89; minus strand). Cytogenetic location: 19q13.11.
Variant type: single nucleotide variant.
Coding change: c.1114G>A on transcript NM_032816.5 (MANE Select); coding-DNA position 1114, G replaced by A.
Protein change: p.Ala372Thr; replaces alanine 372 with threonine.
Molecular consequence: missense variant.
Genome position (GRCh38, 1-based): chr19:32,926,240, C>T on the plus strand (G>A on the coding strand, the complement: CEP89 is on the minus strand). VCF-style: chr19-32926240-C-T. GRCh37 (hg19) VCF-style: chr19-33417146-C-T.
Other names: c.1114G>A (NM_032816.3); short protein forms A372T.
Identifiers: ClinVar variation 2960268 (VCV002960268.4), dbSNP rs141968456, ClinGen allele CA9359405.